The following is an entry in ClinVar:

NM_198252.3(GSN):c.982G>T (p.Val328Phe)

Gene: GSN (gelsolin; plus strand). Cytogenetic location: 9q33.2.
Variant type: single nucleotide variant.
Coding change: c.982G>T on transcript NM_198252.3 (MANE Select); coding-DNA position 982, G replaced by T.
Protein change: p.Val328Phe; replaces valine 328 with phenylalanine.
Molecular consequence: missense variant.
Genome position (GRCh38, 1-based): chr9:121,318,671, G>T. VCF-style: chr9-121318671-G-T. GRCh37 (hg19) VCF-style: chr9-124080949-G-T.
Other names: c.1015G>T, p.Val339Phe (NM_001353077.1, NM_001127666.2, NM_001127667.2 and 13 more transcripts); c.328G>T, p.Val110Phe (NM_001353078.2); c.1135G>T, p.Val379Phe (NM_000177.5); c.982G>T, p.Val328Phe (NM_001127662.2, NM_001127664.2, NM_001127665.2 and 10 more transcripts); c.1090G>T, p.Val364Phe (NM_001127663.2); c.1033G>T, p.Val345Phe (NM_001258029.2); c.1006G>T, p.Val336Phe (NM_001258030.2); c.1054G>T, p.Val352Phe (NM_001353076.2); short protein forms V110F, V336F, V379F, V328F, V339F, V345F, V352F, V364F.
Identifiers: ClinVar variation 2748955 (VCV002748955.3), dbSNP rs1413806267, ClinGen allele CA374746397.

ClinVar aggregate classification (germline): Uncertain significance (1 of 4 stars; one submission).

gnomAD v4.1: 4 of 1,612,116 alleles (0.00025%); highest among the groups gnomAD compares: Non-Finnish European, 0.00034%; no homozygotes.

Submission:

Labcorp Genetics (formerly Invitae), Labcorp
Classification: Uncertain significance. Last evaluated: 2023-08-01. Review status: criteria provided, single submitter. Criteria: Invitae Variant Classification Sherloc (09022015). Collection method: clinical testing. Allele origin: germline.
Comment: This variant has not been reported in the literature in individuals affected with GSN-related conditions. This variant is not present in population databases (gnomAD no frequency). This sequence change replaces valine, which is neutral and non-polar, with phenylalanine, which is neutral and non-polar, at codon 379 of the GSN protein (p.Val379Phe). Advanced modeling of protein sequence and biophysical properties (such as structural, functional, and spatial information, amino acid conservation, physicochemical variation, residue mobility, and thermodynamic stability) performed at Invitae indicates that this missense variant is not expected to disrupt GSN protein function. In summary, the available evidence is currently insufficient to determine the role of this variant in disease. Therefore, it has been classified as a Variant of Uncertain Significance.